The following is an entry in ClinVar:

ClinVar aggregate classification (germline): Uncertain significance (1 of 4 stars; one submission).

Submission:

GeneDx
Classification: Uncertain significance. Last evaluated: 2023-10-27. Review status: criteria provided, single submitter. Criteria: GeneDx Variant Classification Process June 2021. Collection method: clinical testing. Allele origin: germline. Affected: yes.
Comment: Not observed at significant frequency in large population cohorts (gnomAD); In silico analysis supports that this missense variant does not alter protein structure/function; Has not been previously published as pathogenic or benign to our knowledge

NM_006922.4(SCN3A):c.3499G>T (p.Ala1167Ser)

Gene: SCN3A (sodium voltage-gated channel alpha subunit 3; minus strand). Cytogenetic location: 2q24.3.
Variant type: single nucleotide variant.
Coding change: c.3499G>T on transcript NM_006922.4 (MANE Select); coding-DNA position 3499, G replaced by T.
Protein change: p.Ala1167Ser; replaces alanine 1167 with serine.
Molecular consequence: missense variant.
Genome position (GRCh38, 1-based): chr2:165,115,470, C>A on the plus strand (G>T on the coding strand, the complement: SCN3A is on the minus strand). VCF-style: chr2-165115470-C-A. GRCh37 (hg19) VCF-style: chr2-165971980-C-A.
Other names: c.3352G>T, p.Ala1118Ser (NM_001081676.2, NM_001081677.2); short protein forms A1118S, A1167S.
Identifiers: ClinVar variation 3363558 (VCV003363558.1).
Genomic context (GRCh38, chr2:165,115,470, plus strand): 5'-AAGAACAAGGGGAGATTGTATTTAATCACATCAGAGCTTGTTTACCTTCAGTAAAACAAG[C>A]TTCCGGTTTAAGGTCTTCTTCGGGTTCAGTTTCAGCTTGTTCACCTTCTCGGGGTAGAAC-3'
Protein context (NP_008853.3, residues 1157-1177): TEPEEDLKPE[Ala1167Ser]CFTEGCIKKF